The following is an entry in ClinVar:

NM_001042492.3(NF1):c.410_463del (p.Ser137_Ser155delinsCys)

Gene: NF1 (neurofibromin 1; plus strand). Cytogenetic location: 17q11.2.
Variant type: Deletion.
Coding change: c.410_463del on transcript NM_001042492.3 (MANE Select); coding-DNA positions 410 to 463, 54 bases deleted.
Protein change: p.Ser137_Ser155delinsCys.
Molecular consequence: inframe indel.
Genome position (GRCh38, 1-based): chr17:31,163,307-31,163,360, 54 bases deleted. GRCh37 (hg19): chr17:29,490,325-29,490,378.
Other names: c.410_463del, p.Ser137_Ser155delinsCys (NM_000267.4, NM_001128147.3).
Identifiers: ClinVar variation 4530425 (VCV004530425.1).

ClinVar aggregate classification (somatic clinical impact): Tier I - Strong (1 of 4 stars; one submission).

Conditions:
Malignant peripheral nerve sheath tumor. Identifiers: Orphanet 3148, MedGen C0751690, MONDO:0017827, HP:0100697.

Submission:

Institute for Genomic Medicine (IGM) Clinical Laboratory, Nationwide Children's Hospital
Classification: Tier I - Strong for Malignant peripheral nerve sheath tumor. Assertion type: diagnostic. Clinical significance: supports diagnosis. Last evaluated: 2024-05-20. Review status: criteria provided, single submitter. Criteria: AMP/ASCO/CAP Guidelines, 2017. Collection method: clinical testing. Allele origin: somatic. Affected: yes.
Comment: Variant has Tier I (strong) clinical significance as a diagnostic inclusion criterion in malignant peripheral nerve sheath tumor, based on the following evidence: 1) Documented in one or more cancer databases (e.g., St. Jude Pecan, COSMIC, CIViC, OncoKB). 2) Appears in one or more well-established professional guidelines (e.g., World Health Organization [WHO]; National Comprehensive Cancer Network [NCCN]) as providing diagnostic, prognostic, or therapeutic information. 3) Diagnostic for a specific tumor type/classification based on well-powered studies with expert-level consensus (Evidence Level B; PMIDs: 25240281, 36598417, 30722027).

Literature cited by the submitters: PubMed 25240281; PubMed 36598417; PubMed 30722027.